The following is an entry in ClinVar:

NM_004360.5(CDH1):c.59G>C (p.Trp20Ser)

Gene: CDH1 (cadherin 1; plus strand). Cytogenetic location: 16q22.1.
Variant type: single nucleotide variant.
Coding change: c.59G>C on transcript NM_004360.5 (MANE Select); coding-DNA position 59, G replaced by C.
Protein change: p.Trp20Ser; replaces tryptophan 20 with serine.
Molecular consequence: missense variant. On other transcripts: 5 prime UTR variant (2).
Genome position (GRCh38, 1-based): chr16:68,738,307, G>C. VCF-style: chr16-68738307-G-C. GRCh37 (hg19) VCF-style: chr16-68772210-G-C.
Other names: c.59G>C (LRG_301t1); c.59G>C, p.Trp20Ser (NM_001317184.2); c.-1557G>C (NM_001317185.2); c.-1761G>C (NM_001317186.2); short protein forms W20S.
Identifiers: ClinVar variation 640183 (VCV000640183.12), dbSNP rs121964875, ClinGen allele CA396451633.

ClinVar aggregate classification (germline): Conflicting classifications of pathogenicity. Review status: criteria provided, conflicting classifications (1 of 4 stars). 2 submissions from 2 submitters: Uncertain significance (1); Likely benign (1). Last evaluated 2025-01-29.

Conditions:
Hereditary cancer-predisposing syndrome. Also called: Neoplastic Syndromes, Hereditary; Hereditary Cancer Syndrome; Hereditary neoplastic syndrome; Tumor predisposition. Identifiers: Orphanet 140162, MedGen C0027672, MeSH D009386, MONDO:0015356.
Hereditary diffuse gastric adenocarcinoma (HDGC). Also called: DIFFUSE GASTRIC AND LOBULAR BREAST CANCER SYNDROME. Identifiers: Orphanet 26106, MedGen C1708349, MONDO:0007648, OMIM 137215.

gnomAD v4.1: 2 of 1,550,364 alleles (0.00013%); highest among the groups gnomAD compares: Non-Finnish European, 0.00017%; no homozygotes.

Submissions (2):

Ambry Genetics
Classification: Likely benign for Hereditary cancer-predisposing syndrome. Last evaluated: 2025-01-29. Review status: criteria provided, single submitter. Criteria: Ambry Variant Classification Scheme 2023. Collection method: clinical testing. Allele origin: germline.

Labcorp Genetics (formerly Invitae), Labcorp
Classification: Uncertain significance for Hereditary diffuse gastric adenocarcinoma. Last evaluated: 2024-03-02. Review status: criteria provided, single submitter. Criteria: Invitae Variant Classification Sherloc (09022015). Collection method: clinical testing. Allele origin: germline.
Comment: This sequence change replaces tryptophan, which is neutral and slightly polar, with serine, which is neutral and polar, at codon 20 of the CDH1 protein (p.Trp20Ser). This variant is not present in population databases (gnomAD no frequency). This variant has not been reported in the literature in individuals affected with CDH1-related conditions. ClinVar contains an entry for this variant (Variation ID: 640183). An algorithm developed to predict the effect of missense changes on protein structure and function (PolyPhen-2) suggests that this variant is likely to be tolerated. In summary, the available evidence is currently insufficient to determine the role of this variant in disease. Therefore, it has been classified as a Variant of Uncertain Significance.